The following is an entry in ClinVar:

NM_001754.5(RUNX1):c.581_586del (p.Lys194_Ile195del)

Genes: RUNX1 (RUNX family transcription factor 1; minus strand), RUNX1-AS1 (RUNX1 antisense RNA 1; plus strand). Cytogenetic location: 21q22.12.
Variant type: Deletion.
Coding change: c.581_586del on transcript NM_001754.5 (MANE Select); coding-DNA positions 581 to 586, 6 bases deleted (AAATCA; older notation c.581_586delAAATCA).
Protein change: p.Lys194_Ile195del.
Molecular consequence: inframe deletion.
Genome position (GRCh38, 1-based): chr21:34,859,501-34,859,506, TGATTT deleted on the plus strand (AAATCA on the coding strand, the reverse complement: RUNX1 is on the minus strand); deleting any 6 consecutive bases within chr21:34,859,501-34,859,510 gives the same sequence; the c. name uses the placement nearest the transcript's 3' end. VCF-style (leftmost placement, unchanged base first): chr21-34859500-GTGATTT-G. GRCh37 (hg19) VCF-style: chr21-36231797-GTGATTT-G.
Other names: NM_001754.5(RUNX1):c.581_586del; p.Lys194_Ile195del; c.500_505del, p.Lys167_Ile168del (NM_001001890.3, NM_001122607.2).
Identifiers: ClinVar variation 570999 (VCV000570999.10), dbSNP rs1569061793, ClinGen allele CA891844469.

ClinVar aggregate classification (germline): Uncertain significance. Review status: reviewed by expert panel (3 of 4 stars). 2 submissions from 2 submitters: Uncertain significance (1). 1 of the submissions does not count toward it. Last evaluated 2024-07-11.

Conditions:
Hereditary thrombocytopenia and hematologic cancer predisposition syndrome. Identifiers: Orphanet 71290, MedGen CN281654, MONDO:0011071.
Hereditary thrombocytopenia and hematological cancer predisposition syndrome associated with RUNX1. Also called: Familial Platelet Disorder with Propensity to Acute Myelogenous Leukemia; Familial thrombocytopenia with propensity to acute myelogenous leukemia; PLATELET DISORDER, ASPIRIN-LIKE; RUNX1 Familial Platelet Disorder with Associated Myeloid Malignancies. Identifiers: Orphanet 71290, MedGen C1832388, MeSH C563324, MONDO:0100083, OMIM 601399.

Submissions (2):

ClinGen Myeloid Malignancy Variant Curation Expert Panel
Classification: Uncertain significance for Hereditary thrombocytopenia and hematologic cancer predisposition syndrome. Last evaluated: 2024-07-11. Review status: reviewed by expert panel. Criteria: ClinGen MyeloMalig ACMG Specifications v2. Collection method: curation. Allele origin: germline. Inheritance: Autosomal dominant inheritance.
Comment: NM_001754.5(RUNX1):c.581_586del (p.Lys194_Ile195del) is an in-frame deletion which affects the residue K194 within the Runt Homology Domain (PM4_Supporting). This variant is completely absent from all population databases with at least 20x coverage for RUNX1 (PM2_Supporting). In summary, the clinical significance of this variant is uncertain due to insufficient evidence. ACMG/AMP criteria applied, as specified by the Myeloid Malignancy Variant Curation Expert Panel for RUNX1: PM2_Supporting, PM4_Supporting.

Labcorp Genetics (formerly Invitae), Labcorp
Classification: Uncertain significance for Hereditary thrombocytopenia and hematological cancer predisposition syndrome associated with RUNX1. Last evaluated: 2018-01-10. Review status: criteria provided, single submitter. Criteria: Invitae Variant Classification Sherloc (09022015). Collection method: clinical testing. Allele origin: germline. Not counted in ClinVar's aggregate classification.
Comment: In summary, the available evidence is currently insufficient to determine the role of this variant in disease. Therefore, it has been classified as a Variant of Uncertain Significance. Experimental studies and prediction algorithms are not available for this variant, and the functional significance of the deleted amino acids is currently unknown. This variant has not been reported in the literature in individuals with RUNX1-related disease. This variant is not present in population databases (ExAC no frequency). This variant, c.581_586del, results in the deletion of 2 amino acids of the RUNX1 protein (p.Lys194_Ile195del), but otherwise preserves the integrity of the reading frame.